The following is an entry in ClinVar:

NM_000350.3(ABCA4):c.730_731del (p.Leu244fs)

Gene: ABCA4 (ATP binding cassette subfamily A member 4; minus strand). Cytogenetic location: 1p22.1.
Variant type: Microsatellite.
Coding change: c.730_731del on transcript NM_000350.3 (MANE Select); coding-DNA positions 730 to 731, 2 bases deleted (CT; older notation c.730_731delCT).
Protein change: p.Leu244fs; shifts the reading frame from leucine 244.
Molecular consequence: frameshift variant.
Genome position (GRCh38, 1-based): chr1:94,098,831-94,098,832, AG deleted on the plus strand (CT on the coding strand, the reverse complement: ABCA4 is on the minus strand); deleting any 2 consecutive bases within chr1:94,098,831-94,098,834 gives the same sequence; the c. name uses the placement nearest the transcript's 3' end. VCF-style (leftmost placement, unchanged base first): chr1-94098830-CAG-C. GRCh37 (hg19) VCF-style: chr1-94564386-CAG-C.
Other names: c.728_729CT[1], p.Leu244Valfs (NM_001425324.1); short protein forms L244fs.
Identifiers: ClinVar variation 99499 (VCV000099499.9), dbSNP rs62645949, ClinGen allele CA227450.

ClinVar aggregate classification (germline): Pathogenic. Review status: criteria provided, single submitter (1 of 4 stars). 2 submissions from 2 submitters: Pathogenic (1). 1 of the submissions does not count toward it. Last evaluated 2025-07-31.

Submissions (2):

Labcorp Genetics (formerly Invitae), Labcorp
Classification: Pathogenic. Last evaluated: 2025-07-31. Review status: criteria provided, single submitter. Criteria: Invitae Variant Classification Sherloc (09022015). Collection method: clinical testing. Allele origin: germline.
Comment: This sequence change creates a premature translational stop signal (p.Leu244Valfs*35) in the ABCA4 gene. It is expected to result in an absent or disrupted protein product. Loss-of-function variants in ABCA4 are known to be pathogenic (PMID: 10958761, 24938718, 25312043, 26780318). This variant is not present in population databases (gnomAD no frequency). This premature translational stop signal has been observed in individual(s) with Stargardt disease (PMID: 10958763). This variant is also known as 730delCT. For these reasons, this variant has been classified as Pathogenic.

Retina International
No classification provided. Review status: no classification provided. Collection method: not provided. Allele origin: not provided. Not counted in ClinVar's aggregate classification.

Literature cited by the submitters: PubMed 10958761 (cited by Labcorp Genetics (formerly Invitae), Labcorp); PubMed 24938718 (cited by Labcorp Genetics (formerly Invitae), Labcorp); PubMed 25312043 (cited by Labcorp Genetics (formerly Invitae), Labcorp); PubMed 26780318 (cited by Labcorp Genetics (formerly Invitae), Labcorp); PubMed 10958763 (cited by Labcorp Genetics (formerly Invitae), Labcorp).